The following is an entry in ClinVar:

NM_000836.4(GRIN2D):c.259G>A (p.Val87Met)

Gene: GRIN2D (glutamate ionotropic receptor NMDA type subunit 2D; plus strand). Cytogenetic location: 19q13.33.
Variant type: single nucleotide variant.
Coding change: c.259G>A on transcript NM_000836.4 (MANE Select); coding-DNA position 259, G replaced by A.
Protein change: p.Val87Met; replaces valine 87 with methionine.
Molecular consequence: missense variant.
Genome position (GRCh38, 1-based): chr19:48,398,651, G>A. VCF-style: chr19-48398651-G-A. GRCh37 (hg19) VCF-style: chr19-48901908-G-A.
Other names: short protein forms V87M.
Identifiers: ClinVar variation 2058776 (VCV002058776.4), dbSNP rs2516062255, ClinGen allele CA406688717.

ClinVar aggregate classification (germline): Uncertain significance (1 of 4 stars; one submission).

Submission:

Labcorp Genetics (formerly Invitae), Labcorp
Classification: Uncertain significance. Last evaluated: 2021-12-24. Review status: criteria provided, single submitter. Criteria: Invitae Variant Classification Sherloc (09022015). Collection method: clinical testing. Allele origin: germline.
Comment: This sequence change replaces valine, which is neutral and non-polar, with methionine, which is neutral and non-polar, at codon 87 of the GRIN2D protein (p.Val87Met). This variant is not present in population databases (gnomAD no frequency). This variant has not been reported in the literature in individuals affected with GRIN2D-related conditions. Advanced modeling of protein sequence and biophysical properties (such as structural, functional, and spatial information, amino acid conservation, physicochemical variation, residue mobility, and thermodynamic stability) performed at Invitae indicates that this missense variant is not expected to disrupt GRIN2D protein function. In summary, the available evidence is currently insufficient to determine the role of this variant in disease. Therefore, it has been classified as a Variant of Uncertain Significance.